The following is an entry in ClinVar:

ClinVar aggregate classification (germline): Likely benign (1 of 4 stars; one submission).

Submission:

CeGaT Center for Human Genetics Tuebingen
Classification: Likely benign. Last evaluated: 2026-01-01. Review status: criteria provided, single submitter. Criteria: CeGaT Center For Human Genetics Tuebingen Variant Classification Criteria Version 2. Collection method: clinical testing. Allele origin: germline. Affected: yes. Observed: 1 variant allele.
Comment: NACA: BP4, BP7

NM_001365896.1(NACA):c.2868C>T (p.Thr956=)

Gene: NACA (nascent polypeptide associated complex subunit alpha; minus strand). Cytogenetic location: 12q13.3.
Variant type: single nucleotide variant.
Coding change: c.2868C>T on transcript NM_001365896.1 (MANE Select); coding-DNA position 2868, C replaced by T.
Protein change: p.Thr956=; no amino-acid change (threonine 956 retained).
Molecular consequence: synonymous variant. On other transcripts: intron variant (6).
Genome position (GRCh38, 1-based): chr12:56,718,662, G>A on the plus strand (C>T on the coding strand, the complement: NACA is on the minus strand). VCF-style: chr12-56718662-G-A. GRCh37 (hg19) VCF-style: chr12-57112446-G-A.
Other names: c.71-3975C>T (NM_001113202.2, NM_001320194.2, NM_001320193.2 and 2 more transcripts); c.1864+875C>T (NM_001113203.3).
Identifiers: ClinVar variation 4820872 (VCV004820872.4).